The following is an entry in ClinVar:

NM_000257.4(MYH7):c.637A>G (p.Lys213Glu)

Gene: MYH7 (myosin heavy chain 7; minus strand). Cytogenetic location: 14q11.2.
Variant type: single nucleotide variant.
Coding change: c.637A>G on transcript NM_000257.4 (MANE Select); coding-DNA position 637, A replaced by G.
Protein change: p.Lys213Glu; replaces lysine 213 with glutamic acid.
Molecular consequence: missense variant.
Genome position (GRCh38, 1-based): chr14:23,431,763, T>C on the plus strand (A>G on the coding strand, the complement: MYH7 is on the minus strand). VCF-style: chr14-23431763-T-C. GRCh37 (hg19) VCF-style: chr14-23900972-T-C.
Other names: short protein forms K213E.
Identifiers: ClinVar variation 454394 (VCV000454394.8), dbSNP rs1555338682, ClinGen allele CA389052371.

ClinVar aggregate classification (germline): Uncertain significance (1 of 4 stars; one submission).

Conditions:
Hypertrophic cardiomyopathy. Also called: HYPERTROPHIC MYOCARDIOPATHY. Identifiers: Orphanet 217569, MedGen C0007194, MeSH D002312, MONDO:0005045, HP:0001639.

Submission:

Labcorp Genetics (formerly Invitae), Labcorp
Classification: Uncertain significance for Hypertrophic cardiomyopathy. Last evaluated: 2017-07-31. Review status: criteria provided, single submitter. Criteria: Invitae Variant Classification Sherloc (09022015). Collection method: clinical testing. Allele origin: germline.
Comment: In summary, the available evidence is currently insufficient to determine the role of this variant in disease. Therefore, it has been classified as a Variant of Uncertain Significance. This variant is found within a region of MYH7 between codons 181 and 937 that contains the majority of the myosin head domain. Missense variants in this region have been shown to be significantly overrepresented in individuals with hypertrophic cardiomyopathy (PMID: 27532257). A computational algorithm designed to assess the pathogenicity of variants in MYH7 with regard to hypertrophic cardiomyopathy predicted this sequence change to be tolerated. The algorithm has a sensitivity of 94% and a specificity of 89% (PMID: 21310275). This variant has not been reported in the literature in individuals with MYH7-related disease. This variant is not present in population databases (ExAC no frequency). This sequence change replaces lysine with glutamic acid at codon 213 of the MYH7 protein (p.Lys213Glu). The lysine residue is highly conserved and there is a small physicochemical difference between lysine and glutamic acid.

Literature cited by the submitters: PubMed 27532257; PubMed 21310275.